The following is an entry in ClinVar:

ClinVar aggregate classification (germline): Uncertain significance (1 of 4 stars; one submission).

gnomAD v4.1: 7 of 1,613,226 alleles (0.00043%); highest among the groups gnomAD compares: African/African-American, 0.004%; no homozygotes.

Submission:

Labcorp Genetics (formerly Invitae), Labcorp
Classification: Uncertain significance. Last evaluated: 2025-08-18. Review status: criteria provided, single submitter. Criteria: Invitae Variant Classification Sherloc (09022015). Collection method: clinical testing. Allele origin: germline.
Comment: This sequence change replaces arginine, which is basic and polar, with histidine, which is basic and polar, at codon 803 of the CACNA2D4 protein (p.Arg803His). The frequency data for this variant in the population databases is considered unreliable, as metrics indicate poor data quality at this position in the gnomAD database. This variant has not been reported in the literature in individuals affected with CACNA2D4-related conditions. An algorithm developed to predict the effect of missense changes on protein structure and function (PolyPhen-2) suggests that this variant is likely to be disruptive. In summary, the available evidence is currently insufficient to determine the role of this variant in disease. Therefore, it has been classified as a Variant of Uncertain Significance.

NM_172364.5(CACNA2D4):c.2408G>A (p.Arg803His)

Gene: CACNA2D4 (calcium voltage-gated channel auxiliary subunit alpha2delta 4; minus strand). Cytogenetic location: 12p13.33.
Variant type: single nucleotide variant.
Coding change: c.2408G>A on transcript NM_172364.5 (MANE Select); coding-DNA position 2408, G replaced by A.
Protein change: p.Arg803His; replaces arginine 803 with histidine.
Molecular consequence: missense variant.
Genome position (GRCh38, 1-based): chr12:1,844,464, C>T on the plus strand (G>A on the coding strand, the complement: CACNA2D4 is on the minus strand). VCF-style: chr12-1844464-C-T. GRCh37 (hg19) VCF-style: chr12-1953630-C-T.
Other names: short protein forms R803H.
Identifiers: ClinVar variation 4702599 (VCV004702599.1).
Genomic context (GRCh38, chr12:1,844,464, plus strand): 5'-GGTCCTTCTGCCCAGCGGAGGTTGAAGACGAAGCTGCCAGCAGGATGCTCTGAGGCCTGG[C>T]GGTACCACAGCGGGAAGCGGTCCAGGGTGAACACGCTGGCCTCGTCCTCAGGTGTCAGGA-3'
Protein context (NP_758952.4, residues 793-813): FTLDRFPLWY[Arg803His]QASEHPAGSF